The following is an entry in ClinVar:

ClinVar aggregate classification (germline): Uncertain significance. Review status: criteria provided, multiple submitters, no conflicts (2 of 4 stars). 2 submissions from 2 submitters: Uncertain significance (2). Last evaluated 2025-06-11.

Allele frequency attached by ClinVar (database versions not stated): gnomAD exomes below 0.00001 and 0.00002; TOPMed 0.00001; gnomAD 0.00002.
gnomAD v4.1: 26 of 1,614,118 alleles (0.0016%); highest among the groups gnomAD compares: Non-Finnish European, 0.0021%; 1 homozygote.

Submissions (2):

Ambry Genetics
Classification: Uncertain significance. Last evaluated: 2025-06-11. Review status: criteria provided, single submitter. Criteria: Ambry Variant Classification Scheme 2023. Collection method: clinical testing. Allele origin: germline.

Labcorp Genetics (formerly Invitae), Labcorp
Classification: Uncertain significance. Last evaluated: 2023-03-20. Review status: criteria provided, single submitter. Criteria: Invitae Variant Classification Sherloc (09022015). Collection method: clinical testing. Allele origin: germline.
Comment: In summary, the available evidence is currently insufficient to determine the role of this variant in disease. Therefore, it has been classified as a Variant of Uncertain Significance. An algorithm developed to predict the effect of missense changes on protein structure and function (PolyPhen-2) suggests that this variant is likely to be disruptive. ClinVar contains an entry for this variant (Variation ID: 1467883). This variant has not been reported in the literature in individuals affected with ANKZF1-related conditions. This variant is present in population databases (rs200147041, gnomAD 0.004%). This sequence change replaces serine, which is neutral and polar, with phenylalanine, which is neutral and non-polar, at codon 111 of the ANKZF1 protein (p.Ser111Phe).

NM_018089.3(ANKZF1):c.332C>T (p.Ser111Phe)

Gene: ANKZF1 (ankyrin repeat and zinc finger peptidyl tRNA hydrolase 1; plus strand). Cytogenetic location: 2q35.
Variant type: single nucleotide variant.
Coding change: c.332C>T on transcript NM_018089.3 (MANE Select); coding-DNA position 332, C replaced by T.
Protein change: p.Ser111Phe; replaces serine 111 with phenylalanine.
Molecular consequence: missense variant. On other transcripts: intron variant (1).
Genome position (GRCh38, 1-based): chr2:219,232,330, C>T. VCF-style: chr2-219232330-C-T. GRCh37 (hg19) VCF-style: chr2-220097052-C-T.
Other names: c.332C>T (NM_018089.2); c.332C>T, p.Ser111Phe (NM_001042410.2); c.-266-160C>T (NM_001282792.2); short protein forms S111F.
Identifiers: ClinVar variation 1467883 (VCV001467883.7), dbSNP rs200147041, ClinGen allele CA65970134.